The following is an entry in ClinVar:

NM_198525.3(KIF7):c.895del (p.Ile299fs)

Gene: KIF7 (kinesin family member 7; minus strand). Cytogenetic location: 15q26.1.
Variant type: Deletion.
Coding change: c.895del on transcript NM_198525.3 (MANE Select); coding-DNA position 895, one base deleted (A; older notation c.895delA).
Protein change: p.Ile299fs; shifts the reading frame from isoleucine 299.
Molecular consequence: frameshift variant.
Genome position (GRCh38, 1-based): chr15:89,649,002, T deleted on the plus strand (A on the coding strand, the reverse complement: KIF7 is on the minus strand). VCF-style (leftmost placement, unchanged base first): chr15-89649001-AT-A. GRCh37 (hg19) VCF-style: chr15-90192232-AT-A.
Other names: short protein forms I299fs.
Identifiers: ClinVar variation 2018195 (VCV002018195.4), dbSNP rs2505498070, ClinGen allele CA2580090191.

ClinVar aggregate classification (germline): Pathogenic (1 of 4 stars; one submission).

Conditions:
Acrocallosal syndrome (ACLS). Also called: HALLUX DUPLICATION, POSTAXIAL POLYDACTYLY, AND ABSENCE OF CORPUS CALLOSUM; Schinzel syndrome 1; Absence of corpus callosum with unusual facial appearance, mental deficiency, duplication of the halluces and polydactyly. Identifiers: Orphanet 36, MedGen C0796147, MONDO:0008708, OMIM 200990.

Submission:

Labcorp Genetics (formerly Invitae), Labcorp
Classification: Pathogenic for Acrocallosal syndrome. Last evaluated: 2023-05-08. Review status: criteria provided, single submitter. Criteria: Invitae Variant Classification Sherloc (09022015). Collection method: clinical testing. Allele origin: germline.
Comment: This sequence change creates a premature translational stop signal (p.Ile299Tyrfs*23) in the KIF7 gene. It is expected to result in an absent or disrupted protein product. Loss-of-function variants in KIF7 are known to be pathogenic (PMID: 19666503, 21552264, 21633164, 26648833). This variant is not present in population databases (gnomAD no frequency). This variant has not been reported in the literature in individuals affected with KIF7-related conditions. ClinVar contains an entry for this variant (Variation ID: 2018195). For these reasons, this variant has been classified as Pathogenic.

Literature cited by the submitters: PubMed 19666503; PubMed 21552264; PubMed 21633164; PubMed 26648833.